The following is an entry in ClinVar:

ClinVar aggregate classification (germline): Pathogenic (0 of 4 stars; one submission).

Submission:

Quest Diagnostics Nichols Institute San Juan Capistrano
Classification: Pathogenic. Last evaluated: 2021-04-01. Review status: no assertion criteria provided. Collection method: clinical testing. Allele origin: germline.
Comment: The 4q28.3q31.21 deletion interval is expected to cause phenotypic and developmental abnormalities. It involves multiple genes including, NAA15 (OMIM 608000). Haploinsufficiency of NAA15 is implicated in autosomal dominant mental retardation 50 (OMIM 617787). And there is emerging evidence for an association between loss-of-function variants in NAA15 and congenital anomalies, particularly congenital heart defects (Cheng et al., Am J Hum Genet. 2018 May 3;102(5):985-994., PMID: 29656860; C Yuen et al., Nat Neurosci. 2017 Apr;20(4):602-611. PMID: 28263302). A 3.78 Mb 4q28.3-q31.21 deletion, completely encompassed within the current deletion, has been reported in a patient with moderate mental, short stature and growth retardation, frontal bossing, severe hypermetropia, hypertelorism and short neck. The deletion was inherited from the affected mother, who had mild mental retardation, severe congenital unilateral hearing deficit, impaired social interaction with severe speech problems (Cytogenet Genome Res. 2007;118(1):1-7. PMID: 17901693). Additionally, RAB33B is associated with autosomal recessive disorder Smith-McCort dysplasia 2 (OMIM 615222), and GAB1 is associated with autosomal recessive deafness 26 (OMIM 605428).

GRCh37/hg19 4q28.3-31.21(chr4:136529470-141564812)x1

Genes: CLGN (calmegin; minus strand), ELF2 (E74 like ETS transcription factor 2; minus strand), ELMOD2 (ELMO domain containing 2; plus strand), MAML3 (mastermind like transcriptional coactivator 3; minus strand), MGARP (mitochondria localized glutamic acid rich protein; minus strand) and 12 more. Cytogenetic location: 4q28.3-31.21.
Variant type: copy number loss.
Change: copy number 1 (one copy instead of two) of chr4:136,529,470-141,564,812 (5.04 Mb, GRCh37 coordinates, 1-based), cytogenetic band 4q28.3-31.21.
Identifiers: ClinVar variation 1340411 (VCV001340411.1).